The following is an entry in ClinVar:

ClinVar aggregate classification (germline): Uncertain significance. Review status: criteria provided, multiple submitters, no conflicts (2 of 4 stars). 4 submissions from 4 submitters: Uncertain significance (4). Last evaluated 2025-11-19.

Conditions:
Hereditary cancer-predisposing syndrome. Also called: Neoplastic Syndromes, Hereditary; Hereditary Cancer Syndrome; Tumor predisposition; Hereditary neoplastic syndrome. Identifiers: Orphanet 140162, MedGen C0027672, MeSH D009386, MONDO:0015356.
Classic or attenuated familial adenomatous polyposis. Identifiers: MedGen CN372698, MONDO:0021057.
Familial adenomatous polyposis 1 (FAP1). Also called: FAMILIAL ADENOMATOUS POLYPOSIS 1, ATTENUATED; POLYPOSIS, ADENOMATOUS INTESTINAL. Identifiers: MedGen C2713442, MONDO:0021056, OMIM 175100. Disease mechanism: loss of function.

Submissions (4):

Labcorp Genetics (formerly Invitae), Labcorp
Classification: Uncertain significance for Familial adenomatous polyposis 1. Last evaluated: 2025-11-19. Review status: criteria provided, single submitter. Criteria: Invitae Variant Classification Sherloc (09022015). Collection method: clinical testing. Allele origin: germline.
Comment: This sequence change replaces serine, which is neutral and polar, with proline, which is neutral and non-polar, at codon 1730 of the APC protein (p.Ser1730Pro). This variant is not present in population databases (gnomAD no frequency). This variant has not been reported in the literature in individuals affected with APC-related conditions. ClinVar contains an entry for this variant (Variation ID: 928000). Invitae Evidence Modeling of protein sequence and biophysical properties (such as structural, functional, and spatial information, amino acid conservation, physicochemical variation, residue mobility, and thermodynamic stability) indicates that this missense variant is not expected to disrupt APC protein function with a negative predictive value of 95%. In summary, the available evidence is currently insufficient to determine the role of this variant in disease. Therefore, it has been classified as a Variant of Uncertain Significance.

Ambry Genetics
Classification: Uncertain significance for Hereditary cancer-predisposing syndrome. Last evaluated: 2025-04-05. Review status: criteria provided, single submitter. Criteria: Ambry Variant Classification Scheme 2023. Collection method: clinical testing. Allele origin: germline.
Comment: The p.S1730P variant (also known as c.5188T>C), located in coding exon 15 of the APC gene, results from a T to C substitution at nucleotide position 5188. The serine at codon 1730 is replaced by proline, an amino acid with similar properties. This amino acid position is conserved. In addition, in silico predictors for this gene do not accurately predict pathogenicity. Since supporting evidence is limited at this time, the clinical significance of this alteration remains unclear.

Color Diagnostics, LLC DBA Color Health
Classification: Uncertain significance for Hereditary cancer-predisposing syndrome. Last evaluated: 2024-03-06. Review status: criteria provided, single submitter. Criteria: ACMG Guidelines, 2015. Collection method: clinical testing. Allele origin: germline.
Comment: This missense variant replaces serine with proline at codon 1730 of the APC protein. Computational prediction suggests that this variant may have deleterious impact on protein structure and function (internally defined REVEL score threshold >= 0.7, PMID: 27666373). To our knowledge, functional studies have not been reported for this variant. This variant has not been reported in individuals affected with APC-related disorders in the literature. This variant has not been identified in the general population by the Genome Aggregation Database (gnomAD). The available evidence is insufficient to determine the role of this variant in disease conclusively. Therefore, this variant is classified as a Variant of Uncertain Significance.

All of Us Research Program, National Institutes of Health
Classification: Uncertain significance for Classic or attenuated familial adenomatous polyposis. Last evaluated: 2023-04-03. Review status: criteria provided, single submitter. Criteria: ACMG Guidelines, 2015. Collection method: clinical testing. Allele origin: germline. Inheritance: Autosomal dominant inheritance. Observed: 1 variant allele, 1 heterozygote.
Comment: This missense variant replaces serine with proline at codon 1730 of the APC protein. Computational prediction suggests that this variant may have deleterious impact on protein structure and function (internally defined REVEL score threshold >= 0.7, PMID: 27666373). To our knowledge, functional studies have not been reported for this variant. This variant has not been reported in individuals affected with APC-related disorders in the literature. This variant has not been identified in the general population by the Genome Aggregation Database (gnomAD). The available evidence is insufficient to determine the role of this variant in disease conclusively. Therefore, this variant is classified as a Variant of Uncertain Significance.

This study involves interpretation of variants in research participants for the purpose of population health screening. Participant phenotype was not available at the time of variant classification. Additional details can be found in publication PMID: 35346344, PMCID: PMC8962531

NM_000038.6(APC):c.5188T>C (p.Ser1730Pro)

Gene: APC (APC regulator of Wnt signaling pathway; plus strand). Cytogenetic location: 5q22.2.
Variant type: single nucleotide variant.
Coding change: c.5188T>C on transcript NM_000038.6 (MANE Select); coding-DNA position 5188, T replaced by C.
Protein change: p.Ser1730Pro; replaces serine 1730 with proline.
Molecular consequence: missense variant.
Genome position (GRCh38, 1-based): chr5:112,840,782, T>C. VCF-style: chr5-112840782-T-C. GRCh37 (hg19) VCF-style: chr5-112176479-T-C.
Other names: c.5188T>C, p.Ser1730Pro (NM_001127510.3, NM_001354895.2); c.5134T>C, p.Ser1712Pro (NM_001127511.3); c.5242T>C, p.Ser1748Pro (NM_001354896.2); c.5218T>C, p.Ser1740Pro (NM_001354897.2); c.5113T>C, p.Ser1705Pro (NM_001354898.2); c.5104T>C, p.Ser1702Pro (NM_001354899.2); c.5065T>C, p.Ser1689Pro (NM_001354900.2); c.5011T>C, p.Ser1671Pro (NM_001354901.2); and 5 more; short protein forms S1447P, S1570P, S1604P, S1702P, S1705P, S1712P, S1740P, S1748P.
Identifiers: ClinVar variation 928000 (VCV000928000.55), dbSNP rs1765871393, ClinGen allele CA16032672.